The following is an entry in ClinVar:

ClinVar aggregate classification (germline): Likely benign. Review status: criteria provided, multiple submitters, no conflicts (2 of 4 stars). 4 submissions from 4 submitters: Likely benign (4). Last evaluated 2025-12-21.

Conditions:
Charcot-Marie-Tooth disease axonal type 2O. Also called: Charcot-Marie-Tooth Neuropathy Type 2O; CHARCOT-MARIE-TOOTH NEUROPATHY, AXONAL, TYPE 2O; CHARCOT-MARIE-TOOTH DISEASE, AXONAL, AUTOSOMAL DOMINANT, TYPE 2O; Charcot-Marie-Tooth disease, axonal, type 20. Identifiers: Orphanet 284232, MedGen C3280220, MONDO:0013644, OMIM 614228.

Allele frequency attached by ClinVar (database versions not stated): gnomAD 0.00003; gnomAD exomes 0.00005 and 0.00011; TOPMed 0.00006; ExAC 0.00017.
gnomAD v4.1: 82 of 1,613,262 alleles (0.0051%); highest among the groups gnomAD compares: Middle Eastern, 0.016%; no homozygotes.

Submissions (4):

Labcorp Genetics (formerly Invitae), Labcorp
Classification: Likely benign for Charcot-Marie-Tooth disease axonal type 2O. Last evaluated: 2025-12-21. Review status: criteria provided, single submitter. Criteria: Invitae Variant Classification Sherloc (09022015). Collection method: clinical testing. Allele origin: germline.

ARUP Laboratories, Molecular Genetics and Genomics, ARUP Laboratories
Classification: Likely benign. Last evaluated: 2025-04-28. Review status: criteria provided, single submitter. Criteria: ARUP Molecular Germline Variant Investigation Process 2024. Collection method: clinical testing. Allele origin: germline.

Blueprint Genetics
Classification: Likely benign. Last evaluated: 2024-10-09. Review status: criteria provided, single submitter. Criteria: ACMG Guidelines, 2015. Collection method: clinical testing. Allele origin: germline.

GeneDx
Classification: Likely benign. Last evaluated: 2016-04-20. Review status: criteria provided, single submitter. Criteria: GeneDx Variant Classification (06012015). Collection method: clinical testing. Allele origin: germline. Affected: yes.
Comment: This variant is considered likely benign or benign based on one or more of the following criteria: it is a conservative change, it occurs at a poorly conserved position in the protein, it is predicted to be benign by multiple in silico algorithms, and/or has population frequency not consistent with disease.

NM_001376.5(DYNC1H1):c.5978-19G>A

Gene: DYNC1H1 (dynein cytoplasmic 1 heavy chain 1; plus strand). Cytogenetic location: 14q32.31.
Variant type: single nucleotide variant.
Coding change: c.5978-19G>A on transcript NM_001376.5 (MANE Select); 19 bases into the intron before coding-DNA position 5978, G replaced by A.
Molecular consequence: intron variant.
Genome position (GRCh38, 1-based): chr14:102,009,824, G>A. VCF-style: chr14-102009824-G-A. GRCh37 (hg19) VCF-style: chr14-102476161-G-A.
Identifiers: ClinVar variation 385480 (VCV000385480.10), dbSNP rs775189379, ClinGen allele CA7352535.
Genomic context (GRCh38, chr14:102,009,824, plus strand): 5'-TGTTTTAGAGACATTTTAGAATGCATTTTGTTTTTTTTTTTTAACATTTCTAGTCTTAAC[G>A]CTATCATCTCATTCTCAGCCTCTGCCCCCATTACTTGTGAGCTGCTGAACAAACAAGTCA-3'